The following is an entry in ClinVar:

ClinVar aggregate classification (germline): Uncertain significance. Review status: criteria provided, single submitter (1 of 4 stars). 2 submissions from 2 submitters: Uncertain significance (1). 1 of the submissions does not count toward it. Last evaluated 2025-07-30.

Conditions:
Dyskeratosis congenita, autosomal recessive 5 (DKCB5). Identifiers: MedGen C3554656, MONDO:0014076, OMIM 615190.
Pulmonary fibrosis and/or bone marrow failure, Telomere-related, 3. Also called: PULMONARY FIBROSIS AND/OR BONE MARROW FAILURE SYNDROME, TELOMERE-RELATED, 3. Identifiers: Orphanet 2032, MedGen C4225346, MONDO:0014613, OMIM 616373.

Submissions (2):

Labcorp Genetics (formerly Invitae), Labcorp
Classification: Uncertain significance for Dyskeratosis congenita, autosomal recessive 5; Pulmonary fibrosis and/or bone marrow failure, Telomere-related, 3. Last evaluated: 2025-07-30. Review status: criteria provided, single submitter. Criteria: Invitae Variant Classification Sherloc (09022015). Collection method: clinical testing. Allele origin: germline.
Comment: This variant, c.287_289dup, results in the insertion of 1 amino acid(s) of the RTEL1 protein (p.Ala96dup), but otherwise preserves the integrity of the reading frame. The frequency data for this variant in the population databases is considered unreliable, as metrics indicate poor data quality at this position in the gnomAD database. This variant has not been reported in the literature in individuals affected with RTEL1-related conditions. Experimental studies and prediction algorithms are not available or were not evaluated, and the functional significance of this variant is currently unknown. In summary, the available evidence is currently insufficient to determine the role of this variant in disease. Therefore, it has been classified as a Variant of Uncertain Significance.

Counsyl
Classification: Uncertain significance for Dyskeratosis congenita, autosomal recessive 5. Last evaluated: 2017-09-18. Review status: no assertion criteria provided. Collection method: clinical testing. Allele origin: unknown. Not counted in ClinVar's aggregate classification.

NM_001283009.2(RTEL1):c.275CTG[6] (p.Ala96dup)

Genes: RTEL1 (regulator of telomere elongation helicase 1; plus strand), RTEL1-TNFRSF6B (RTEL1-TNFRSF6B readthrough (NMD candidate); plus strand). Cytogenetic location: 20q13.33.
Variant type: Microsatellite.
Coding change: c.275CTG[6] on transcript NM_001283009.2 (MANE Select); six copies in a row of the 3-base unit CTG starting at c.275; the reference has five copies in a row; one copy, 3 bases duplicated.
Protein change: p.Ala96dup; duplicates alanine 96.
Molecular consequence: inframe insertion. On other transcripts: non-coding transcript variant (1), 5 prime UTR variant (1).
Genome position (GRCh38, 1-based): chr20:63,661,482-63,661,484, CTG duplicated; duplicating any 3 consecutive bases within chr20:63,661,469-63,661,484 gives the same sequence; the position shown is the placement nearest the transcript's 3' end. VCF-style (leftmost placement, unchanged base first): chr20-63661468-C-CGCT. GRCh37 (hg19) VCF-style: chr20-62292821-C-CGCT.
Other names: c.-395CTG[6] (NM_001283010.1); c.275CTG[6], p.Ala96dup (NM_016434.4, NM_032957.5).
Identifiers: ClinVar variation 553879 (VCV000553879.4), dbSNP rs769909059, ClinGen allele CA636615171.